The following is an entry in ClinVar:

NM_015102.5(NPHP4):c.3243G>C (p.Gly1081=)

Gene: NPHP4 (nephrocystin 4; minus strand). Cytogenetic location: 1p36.31.
Variant type: single nucleotide variant.
Coding change: c.3243G>C on transcript NM_015102.5 (MANE Select); coding-DNA position 3243, G replaced by C.
Protein change: p.Gly1081=; no amino-acid change (glycine 1081 retained).
Molecular consequence: synonymous variant. On other transcripts: non-coding transcript variant (1).
Genome position (GRCh38, 1-based): chr1:5,873,324, C>G on the plus strand (G>C on the coding strand, the complement: NPHP4 is on the minus strand). VCF-style: chr1-5873324-C-G. GRCh37 (hg19) VCF-style: chr1-5933384-C-G.
Other names: p.Gly1081=; c.1704G>C, p.Gly568= (NM_001291593.2); c.1707G>C, p.Gly569= (NM_001291594.2).
Identifiers: ClinVar variation 95681 (VCV000095681.24), dbSNP rs41280800, ClinGen allele CA148745.

ClinVar aggregate classification (germline): Benign/Likely benign. Review status: criteria provided, multiple submitters, no conflicts (2 of 4 stars). 9 submissions from 8 submitters: Benign (8); Likely benign (1). Last evaluated 2026-02-01.

Conditions:
Kidney disorder. Also called: renal disease; Kidney disease; Kidney Diseases; Nephropathy; renal disorder. Identifiers: MedGen C0022658, MONDO:0005240, HP:0000112.
Nephronophthisis. Also called: Juvenile Nephronophthisis. Identifiers: Orphanet 655, MedGen C0687120, MONDO:0019005, HP:0000090.
Senior-Loken syndrome 4 (SLSN4). Identifiers: Orphanet 3156, MedGen C1846979, MONDO:0011756, OMIM 606996.
Nephronophthisis 4 (NPHP4). Also called: NEPHRONOPHTHISIS 4, JUVENILE. Identifiers: Orphanet 655, MedGen C1847013, MONDO:0011752, OMIM 606966.

Allele frequency attached by ClinVar (database versions not stated): gnomAD 0.01658 and 0.01633; TOPMed 0.01749; 1000 Genomes Project 0.00899; 1000 Genomes Project 30x 0.00937; gnomAD exomes 0.01453; ExAC 0.01361; ESP Exome Variant Server 0.01963.
gnomAD v4.1: 37,427 of 1,613,720 alleles (2.3%); highest among the groups gnomAD compares: Non-Finnish European, 2.8%; 548 homozygotes.

Submissions (9):

Labcorp Genetics (formerly Invitae), Labcorp
Classification: Benign for Nephronophthisis. Last evaluated: 2026-02-01. Review status: criteria provided, single submitter. Criteria: Invitae Variant Classification Sherloc (09022015). Collection method: clinical testing. Allele origin: germline.

Blueprint Genetics
Classification: Benign. Last evaluated: 2024-11-26. Review status: criteria provided, single submitter. Criteria: ACMG Guidelines, 2015. Collection method: clinical testing. Allele origin: germline.

Mayo Clinic Laboratories, Mayo Clinic
Classification: Benign. Last evaluated: 2023-10-23. Review status: criteria provided, single submitter. Criteria: ACMG Guidelines, 2015. Collection method: clinical testing. Allele origin: germline. Observed: 29 variant alleles.
Comment: BS1, BS2, BP4, BP7

Illumina Laboratory Services, Illumina
Classification: Benign for Senior-Loken syndrome 4. Last evaluated: 2018-01-13. Review status: criteria provided, single submitter. Criteria: ICSL Variant Classification Criteria 13 December 2019. Collection method: clinical testing. Allele origin: germline.
Comment: This variant was observed in the ICSL laboratory as part of a predisposition screen in an ostensibly healthy population. It had not been previously curated by ICSL or reported in the Human Gene Mutation Database (HGMD: prior to June 1st, 2018), and was therefore a candidate for classification through an automated scoring system. Utilizing variant allele frequency, disease prevalence and penetrance estimates, and inheritance mode, an automated score was calculated to assess if this variant is too frequent to cause the disease. Based on the score and internal cut-off values, a variant classified as benign is not then subjected to further curation. The score for this variant resulted in a classification of benign for this disease.

Illumina Laboratory Services, Illumina
Classification: Benign for Nephronophthisis 4. Last evaluated: 2018-01-13. Review status: criteria provided, single submitter. Criteria: ICSL Variant Classification Criteria 13 December 2019. Collection method: clinical testing. Allele origin: germline.
Comment: the same text as in the submission from Illumina Laboratory Services, Illumina above.

Genome Diagnostics Laboratory, The Hospital for Sick Children
Classification: Likely benign for Kidney disorder. Last evaluated: 2017-01-16. Review status: criteria provided, single submitter. Criteria: ACMG Guidelines, 2015. Collection method: clinical testing. Allele origin: germline.

Eurofins Ntd Llc (ga)
Classification: Benign. Last evaluated: 2012-08-28. Review status: criteria provided, single submitter. Criteria: EGL Classification Definitions 2015. Collection method: clinical testing. Allele origin: germline. Observed: 2 variant alleles, 2 heterozygotes.

Breakthrough Genomics
Classification: Benign. Review status: criteria provided, single submitter. Criteria: ACMG Guidelines, 2015. Collection method: not provided. Allele origin: germline. Inheritance: Autosomal recessive inheritance. Affected: yes.

PreventionGenetics, part of Exact Sciences
Classification: Benign. Review status: criteria provided, single submitter. Criteria: ACMG Guidelines, 2015. Collection method: clinical testing. Allele origin: germline.